The following is an entry in ClinVar:

NM_000545.8(HNF1A):c.1715C>A (p.Pro572His)

Gene: HNF1A (HNF1 homeobox A; plus strand). Cytogenetic location: 12q24.31.
Variant type: single nucleotide variant.
Coding change: c.1715C>A on transcript NM_000545.8 (MANE Select); coding-DNA position 1715, C replaced by A.
Protein change: p.Pro572His; replaces proline 572 with histidine.
Molecular consequence: missense variant.
Genome position (GRCh38, 1-based): chr12:120,999,574, C>A. VCF-style: chr12-120999574-C-A. GRCh37 (hg19) VCF-style: chr12-121437377-C-A.
Other names: c.1736C>A, p.Pro579His (NM_001306179.2); short protein forms P579H, P572H.
Identifiers: ClinVar variation 1346239 (VCV001346239.8), dbSNP rs2135851502, ClinGen allele CA386973162.

ClinVar aggregate classification (germline): Uncertain significance (1 of 4 stars; one submission).

Submission:

Labcorp Genetics (formerly Invitae), Labcorp
Classification: Uncertain significance. Last evaluated: 2022-10-17. Review status: criteria provided, single submitter. Criteria: Invitae Variant Classification Sherloc (09022015). Collection method: clinical testing. Allele origin: germline.
Comment: This sequence change replaces proline, which is neutral and non-polar, with histidine, which is basic and polar, at codon 572 of the HNF1A protein (p.Pro572His). This variant is not present in population databases (gnomAD no frequency). This variant has not been reported in the literature in individuals affected with HNF1A-related conditions. ClinVar contains an entry for this variant (Variation ID: 1346239). Advanced modeling of protein sequence and biophysical properties (such as structural, functional, and spatial information, amino acid conservation, physicochemical variation, residue mobility, and thermodynamic stability) performed at Invitae indicates that this missense variant is not expected to disrupt HNF1A protein function. In summary, the available evidence is currently insufficient to determine the role of this variant in disease. Therefore, it has been classified as a Variant of Uncertain Significance.